The following is an entry in ClinVar:

NC_000013.10:g.(?_32953434)_(32972907_?)del

Gene: BRCA2 (BRCA2 DNA repair associated; plus strand). Cytogenetic location: 13q13.1.
Variant type: Deletion.
Identifiers: ClinVar variation 2422271 (VCV002422271.6).

ClinVar aggregate classification (germline): Pathogenic (1 of 4 stars; one submission).

Conditions:
Hereditary breast ovarian cancer syndrome. Also called: Hereditary breast and ovarian cancer syndrome; Hereditary breast and ovarian cancer; Hereditary breast and/or ovarian cancer syndrome; Hereditary breast and ovarian cancer syndrome (HBOC); Breast and ovarian cancer; BRCA1- and BRCA2-Associated Hereditary Breast and Ovarian Cancer. Identifiers: Orphanet 145, MedGen C0677776, MeSH D061325, MONDO:0003582. Disease mechanism: loss of function.

Submission:

Labcorp Genetics (formerly Invitae), Labcorp
Classification: Pathogenic for Hereditary breast ovarian cancer syndrome. Last evaluated: 2021-10-23. Review status: criteria provided, single submitter. Criteria: Invitae Variant Classification Sherloc (09022015). Collection method: clinical testing. Allele origin: germline.
Comment: A similar copy number variant has been observed in individual(s) with breast and/or ovarian cancer (PMID: 22160602). This variant disrupts a region of the BRCA2 protein in which other variant(s) (p.Tyr3308*) have been determined to be pathogenic (PMID: 17026620, 18593900, 18607349, 22711857). This suggests that this is a clinically significant region of the protein, and that variants that disrupt it are likely to be disease-causing. For these reasons, this variant has been classified as Pathogenic. This variant is a gross deletion of the genomic region encompassing exon(s) 22-27 of the BRCA2 gene, which includes the termination codon. This deletion extends beyond the assayed region for this gene and therefore may encompass additional genes. While this deletion is not anticipated to lead to nonsense mediated decay, it is expected to alter mRNA translation or result in a truncated protein product.

Literature cited by the submitters: PubMed 22160602; PubMed 17026620; PubMed 18593900; PubMed 18607349; PubMed 22711857.